The following is an entry in ClinVar:

ClinVar aggregate classification (germline): Likely benign (0 of 4 stars; one submission).

Conditions:
GNAI1-related disorder.

Allele frequency attached by ClinVar (database versions not stated): TOPMed below 0.00001.
gnomAD v4.1: 5 of 1,606,312 alleles (0.00031%); highest among the groups gnomAD compares: South Asian, 0.0011%; no homozygotes.

Submission:

PreventionGenetics, part of Exact Sciences
Classification: Likely benign for GNAI1-related condition. Last evaluated: 2019-02-28. Review status: no assertion criteria provided. Collection method: clinical testing. Allele origin: germline.
Comment: This variant is classified as likely benign based on ACMG/AMP sequence variant interpretation guidelines (Richards et al. 2015 PMID: 25741868, with internal and published modifications).

NM_002069.6(GNAI1):c.162-5A>G

Gene: GNAI1 (G protein subunit alpha i1; plus strand). Cytogenetic location: 7q21.11.
Variant type: single nucleotide variant.
Coding change: c.162-5A>G on transcript NM_002069.6 (MANE Select); 5 bases into the intron before coding-DNA position 162, A replaced by G.
Molecular consequence: intron variant.
Genome position (GRCh38, 1-based): chr7:80,189,085, A>G. VCF-style: chr7-80189085-A-G. GRCh37 (hg19) VCF-style: chr7-79818401-A-G.
Other names: c.6-5A>G (NM_001256414.2).
Identifiers: ClinVar variation 3040759 (VCV003040759.2), dbSNP rs758057840, ClinGen allele CA842723184.
Genomic context (GRCh38, chr7:80,189,085, plus strand): 5'-TAAGTTAGTGTACCGTTCTACCAAAGGAAGTAAATAATTCTTTTTTTTCCCTTTTGTCTC[A>G]TTAGAATTATCCATGAAGCTGGTTATTCAGAAGAGGAGTGTAAACAATACAAAGCAGTGG-3'